The following is an entry in ClinVar:

NC_012920.1(MT-CO3):m.9591G>A

Gene: MT-CO3 (mitochondrially encoded cytochrome c oxidase III; plus strand).
Variant type: single nucleotide variant.
Genome position: chrM-9591-G-A.
Identifiers: ClinVar variation 693188 (VCV000693188.1), dbSNP rs878949273, ClinGen allele CA337098499.

ClinVar aggregate classification (germline): Benign (1 of 4 stars; one submission).

Conditions:
Leigh syndrome (NULS). Also called: Leigh's necrotizing encephalopathy; Leigh's disease; Leigh Syndrome (mtDNA deletion); Leigh Disease; Subacute necrotizing encephalopathy; Necrotizing encephalopathy infantile subacute of Leigh. Identifiers: Orphanet 506, MedGen C2931891, MONDO:0009723, OMIM 256000.

Submission:

Wong Mito Lab, Molecular and Human Genetics, Baylor College of Medicine
Classification: Benign for Leigh syndrome. Last evaluated: 2019-10-17. Review status: criteria provided, single submitter. Criteria: Modified ACMG Guidelines (Unpublished). Collection method: clinical testing. Allele origin: germline.
Comment: The NC_012920.1:m.9591G>A (YP_003024032.1:p.Val129Ile) variant in MTCO3 gene is interpretated to be a Benign variant based on the modified ACMG guidelines (unpublished). This variant meets the following evidence codes: BS1, BS2